The following is an entry in ClinVar:

NM_018100.4(EFHC1):c.1182del (p.Gln395fs)

Gene: EFHC1 (EF-hand domain containing 1; plus strand). Cytogenetic location: 6p12.2.
Variant type: Deletion.
Coding change: c.1182del on transcript NM_018100.4 (MANE Select); coding-DNA position 1182, one base deleted (T; older notation c.1182delT).
Protein change: p.Gln395fs; shifts the reading frame from glutamine 395.
Molecular consequence: frameshift variant. On other transcripts: non-coding transcript variant (1).
Genome position (GRCh38, 1-based): chr6:52,469,377, T deleted. VCF-style (leftmost placement, unchanged base first): chr6-52469376-CT-C. GRCh37 (hg19) VCF-style: chr6-52334174-CT-C.
Other names: c.1125del, p.Gln376fs (NM_001172420.2); short protein forms Q376fs, Q395fs.
Identifiers: ClinVar variation 286732 (VCV000286732.13), dbSNP rs753549012, ClinGen allele CA3856009.
Genomic context (GRCh38, chr6:52,469,376, plus strand): 5'-TTCCTATGTATCTCCAGGAGTTGCCTCCTTATAACGGTTTTGGACTAGTGGAAGATTCTG[CT>C]CAGAATTGTTTTGCTCTCATTCCAAAAGCTCCAAAAAAAGACGTTATTAAAATGCTGGTG-3'

ClinVar aggregate classification (germline): Uncertain significance. Review status: criteria provided, multiple submitters, no conflicts (2 of 4 stars). 2 submissions from 2 submitters: Uncertain significance (2). Last evaluated 2022-08-09.

Conditions:
Absence seizure. Also called: Absence epilepsy. Identifiers: Orphanet 1941, MedGen C0014553.
Myoclonic epilepsy, juvenile, susceptibility to, 1. Also called: Myoclonic Epilepsy, Juvenile, 1; EJM1. Identifiers: MedGen C1850778, MONDO:0020752, OMIM 254770.

Allele frequency attached by ClinVar (database versions not stated): gnomAD exomes below 0.00001; ExAC 0.00001; gnomAD 0.00001; TOPMed 0.00001.

Submissions (2):

Labcorp Genetics (formerly Invitae), Labcorp
Classification: Uncertain significance for Myoclonic epilepsy, juvenile, susceptibility to, 1; Absence seizure. Last evaluated: 2022-08-09. Review status: criteria provided, single submitter. Criteria: Invitae Variant Classification Sherloc (09022015). Collection method: clinical testing. Allele origin: germline.
Comment: This variant is present in population databases (rs753549012, gnomAD 0.007%). This sequence change creates a premature translational stop signal (p.Gln395Argfs*20) in the EFHC1 gene. It is expected to result in an absent or disrupted protein product. However, the current clinical and genetic evidence is not sufficient to establish whether loss-of-function variants in EFHC1 cause disease. This variant has not been reported in the literature in individuals affected with EFHC1-related conditions. In summary, the available evidence is currently insufficient to determine the role of this variant in disease. Therefore, it has been classified as a Variant of Uncertain Significance. ClinVar contains an entry for this variant (Variation ID: 286732).

Eurofins Ntd Llc (ga)
Classification: Uncertain significance. Last evaluated: 2016-04-14. Review status: criteria provided, single submitter. Criteria: EGL Classification Definitions 2015. Collection method: clinical testing. Allele origin: germline. Observed: 1 variant allele, 1 heterozygote.